The following is an entry in ClinVar:

NM_001112741.2(KCNC1):c.1321A>T (p.Met441Leu)

Gene: KCNC1 (potassium voltage-gated channel subfamily C member 1; plus strand). Cytogenetic location: 11p15.1.
Variant type: single nucleotide variant.
Coding change: c.1321A>T on transcript NM_001112741.2 (MANE Select); coding-DNA position 1321, A replaced by T.
Protein change: p.Met441Leu; replaces methionine 441 with leucine.
Molecular consequence: missense variant.
Genome position (GRCh38, 1-based): chr11:17,772,415, A>T. VCF-style: chr11-17772415-A-T. GRCh37 (hg19) VCF-style: chr11-17793962-A-T.
Other names: c.1321A>T, p.Met441Leu (NM_004976.4); short protein forms M441L.
Identifiers: ClinVar variation 848761 (VCV000848761.10), dbSNP rs1849240546, ClinGen allele CA379809427.
Genomic context (GRCh38, chr11:17,772,415, plus strand): 5'-GCGCTGGCGGGCGTGCTCACCATCGCCATGCCCGTGCCCGTCATCGTGAACAATTTCGGG[A>T]TGTATTACTCCTTAGCCATGGCTAAGCAGAAACTACCAAAGAAAAAAAAGAAGCATATTC-3'
Protein context (NP_001106212.1, residues 431-451): PVPVIVNNFG[Met441Leu]YYSLAMAKQK

ClinVar aggregate classification (germline): Uncertain significance (1 of 4 stars; one submission).

Conditions:
Progressive myoclonic epilepsy type 7. Identifiers: Orphanet 435438, MedGen C4015420, MONDO:0014521, OMIM 616187.

Submission:

Labcorp Genetics (formerly Invitae), Labcorp
Classification: Uncertain significance for Progressive myoclonic epilepsy type 7. Last evaluated: 2024-01-15. Review status: criteria provided, single submitter. Criteria: Invitae Variant Classification Sherloc (09022015). Collection method: clinical testing. Allele origin: germline.
Comment: This sequence change replaces methionine, which is neutral and non-polar, with leucine, which is neutral and non-polar, at codon 441 of the KCNC1 protein (p.Met441Leu). This variant is not present in population databases (gnomAD no frequency). This variant has not been reported in the literature in individuals affected with KCNC1-related conditions. ClinVar contains an entry for this variant (Variation ID: 848761). Advanced modeling of protein sequence and biophysical properties (such as structural, functional, and spatial information, amino acid conservation, physicochemical variation, residue mobility, and thermodynamic stability) performed at Invitae indicates that this missense variant is not expected to disrupt KCNC1 protein function with a negative predictive value of 80%. In summary, the available evidence is currently insufficient to determine the role of this variant in disease. Therefore, it has been classified as a Variant of Uncertain Significance.